The following is an entry in ClinVar:

ClinVar aggregate classification (germline): Likely benign (0 of 4 stars; one submission).

Conditions:
PLXNA3-related disorder. Also called: PLXNA3-related condition.

Allele frequency attached by ClinVar (database versions not stated): gnomAD 0.00003; TOPMed 0.00005; ESP Exome Variant Server 0.00019; ExAC 0.00007.
gnomAD v4.1: 46 of 1,198,906 alleles (0.0038%); highest among the groups gnomAD compares: Non-Finnish European, 0.0047%; no homozygotes.

Submission:

PreventionGenetics, part of Exact Sciences
Classification: Likely benign for PLXNA3-related condition. Last evaluated: 2022-09-08. Review status: no assertion criteria provided. Collection method: clinical testing. Allele origin: germline.
Comment: This variant is classified as likely benign based on ACMG/AMP sequence variant interpretation guidelines (Richards et al. 2015 PMID: 25741868, with internal and published modifications).

NM_017514.5(PLXNA3):c.3966G>A (p.Thr1322=)

Gene: PLXNA3 (plexin A3; plus strand). Cytogenetic location: Xq28.
Variant type: single nucleotide variant.
Coding change: c.3966G>A on transcript NM_017514.5 (MANE Select); coding-DNA position 3966, G replaced by A.
Protein change: p.Thr1322=; no amino-acid change (threonine 1322 retained).
Molecular consequence: synonymous variant.
Genome position (GRCh38, 1-based): chrX:154,468,305, G>A. VCF-style: chrX-154468305-G-A. GRCh37 (hg19) VCF-style: chrX-153696648-G-A.
Identifiers: ClinVar variation 3054640 (VCV003054640.2), dbSNP rs143834428, ClinGen allele CA10564773.